The following is an entry in ClinVar:

ClinVar aggregate classification (germline): Pathogenic (1 of 4 stars; one submission).

Submission:

Labcorp Genetics (formerly Invitae), Labcorp
Classification: Pathogenic. Last evaluated: 2022-12-05. Review status: criteria provided, single submitter. Criteria: Invitae Variant Classification Sherloc (09022015). Collection method: clinical testing. Allele origin: germline.
Comment: This premature translational stop signal has been observed in individual(s) with Sjogren-Larsson syndrome (PMID: 34082469). This variant is not present in population databases (gnomAD no frequency). This sequence change creates a premature translational stop signal (p.Trp450*) in the ALDH3A2 gene. It is expected to result in an absent or disrupted protein product. Loss-of-function variants in ALDH3A2 are known to be pathogenic (PMID: 10577908, 10854114). For these reasons, this variant has been classified as Pathogenic. Algorithms developed to predict the effect of sequence changes on RNA splicing suggest that this variant may disrupt the consensus splice site.

Literature cited by the submitters: PubMed 34082469; PubMed 10577908; PubMed 10854114.

NM_000382.3(ALDH3A2):c.1349G>A (p.Trp450Ter)

Gene: ALDH3A2 (aldehyde dehydrogenase 3 family member A2; plus strand). Cytogenetic location: 17p11.2.
Variant type: single nucleotide variant.
Coding change: c.1349G>A on transcript NM_000382.3 (MANE Select); coding-DNA position 1349, G replaced by A.
Protein change: p.Trp450Ter; replaces tryptophan 450 with a stop codon.
Molecular consequence: nonsense. On other transcripts: intron variant (1).
Genome position (GRCh38, 1-based): chr17:19,671,862, G>A. VCF-style: chr17-19671862-G-A. GRCh37 (hg19) VCF-style: chr17-19575175-G-A.
Other names: c.1349G>A, p.Trp450Ter (NM_001031806.2, NM_001369136.1, NM_001369137.2 and 2 more transcripts); c.770G>A, p.Trp257Ter (NM_001369148.2); c.1208-3696G>A (NM_001369146.2); short protein forms W450*, W257*.
Identifiers: ClinVar variation 2780380 (VCV002780380.3), dbSNP rs909532068, ClinGen allele CA288556593.